The following is an entry in ClinVar:

NM_199420.4(POLQ):c.831G>T (p.Trp277Cys)

Gene: POLQ (DNA polymerase theta; minus strand). Cytogenetic location: 3q13.33.
Variant type: single nucleotide variant.
Coding change: c.831G>T on transcript NM_199420.4 (MANE Select); coding-DNA position 831, G replaced by T.
Protein change: p.Trp277Cys; replaces tryptophan 277 with cysteine.
Molecular consequence: missense variant.
Genome position (GRCh38, 1-based): chr3:121,533,119, C>A on the plus strand (G>T on the coding strand, the complement: POLQ is on the minus strand). VCF-style: chr3-121533119-C-A. GRCh37 (hg19) VCF-style: chr3-121251966-C-A.
Other names: short protein forms W277C.
Identifiers: ClinVar variation 1762921 (VCV001762921.2), dbSNP rs138777338, ClinGen allele CA81861182.

ClinVar aggregate classification (germline): Uncertain significance (1 of 4 stars; one submission).

Allele frequency attached by ClinVar (database versions not stated): gnomAD exomes below 0.00001; gnomAD 0.00001; TOPMed 0.00003; ESP Exome Variant Server 0.00008.
gnomAD v4.1: 3 of 1,613,918 alleles (0.00019%); highest among the groups gnomAD compares: African/African-American, 0.004%; no homozygotes.

Submission:

Ambry Genetics
Classification: Uncertain significance. Last evaluated: 2024-01-17. Review status: criteria provided, single submitter. Criteria: Ambry Variant Classification Scheme 2023. Collection method: clinical testing. Allele origin: germline.
Comment: The p.W277C variant (also known as c.831G>T), located in coding exon 6 of the POLQ gene, results from a G to T substitution at nucleotide position 831. The tryptophan at codon 277 is replaced by cysteine, an amino acid with highly dissimilar properties. This amino acid position is conserved. In addition, this alteration is predicted to be deleterious by in silico analysis. Since supporting evidence is limited at this time, the clinical significance of this alteration remains unclear.